The following is an entry in ClinVar:

ClinVar aggregate classification (germline): Uncertain significance. Review status: criteria provided, multiple submitters, no conflicts (2 of 4 stars). 3 submissions from 3 submitters: Uncertain significance (2). 1 of the submissions does not count toward it. Last evaluated 2021-09-01.

Conditions:
Biotinidase deficiency. Also called: Biotin deficiency; BTD deficiency; Late-onset biotin-responsive multiple carboxylase deficiency. Identifiers: Orphanet 79241, MedGen C0220754, MONDO:0009665, OMIM 253260.

Allele frequency attached by ClinVar (database versions not stated): TOPMed below 0.00001; gnomAD 0.00001.
gnomAD v4.1: 32 of 1,613,920 alleles (0.002%); highest among the groups gnomAD compares: South Asian, 0.0033%; no homozygotes.

Submissions (3):

Labcorp Genetics (formerly Invitae), Labcorp
Classification: Uncertain significance for Biotinidase deficiency. Last evaluated: 2021-09-01. Review status: criteria provided, single submitter. Criteria: Invitae Variant Classification Sherloc (09022015). Collection method: clinical testing. Allele origin: germline.
Comment: This sequence change replaces valine with isoleucine at codon 417 of the BTD protein (p.Val417Ile). The valine residue is highly conserved and there is a small physicochemical difference between valine and isoleucine. This variant is not present in population databases (ExAC no frequency). This variant has not been reported in the literature in individuals affected with BTD-related conditions. Algorithms developed to predict the effect of missense changes on protein structure and function are either unavailable or do not agree on the potential impact of this missense change (SIFT: "Tolerated"; PolyPhen-2: "Possibly Damaging"; Align-GVGD: "Class C0"). In summary, the available evidence is currently insufficient to determine the role of this variant in disease. Therefore, it has been classified as a Variant of Uncertain Significance.

Revvity Omics, Revvity
Classification: Uncertain significance for Biotinidase deficiency. Last evaluated: 2021-06-29. Review status: criteria provided, single submitter. Criteria: ACMG Guidelines, 2015. Collection method: clinical testing. Allele origin: germline.

Natera, Inc.
Classification: Uncertain significance for Biotinidase deficiency. Last evaluated: 2020-08-24. Review status: no assertion criteria provided. Collection method: clinical testing. Allele origin: germline. Not counted in ClinVar's aggregate classification.

NM_001370658.1(BTD):c.1189G>A (p.Val397Ile)

Gene: BTD (biotinidase; plus strand). Cytogenetic location: 3p25.1.
Variant type: single nucleotide variant.
Coding change: c.1189G>A on transcript NM_001370658.1 (MANE Select); coding-DNA position 1189, G replaced by A.
Protein change: p.Val397Ile; replaces valine 397 with isoleucine.
Molecular consequence: missense variant. On other transcripts: intron variant (2).
Genome position (GRCh38, 1-based): chr3:15,645,105, G>A. VCF-style: chr3-15645105-G-A. GRCh37 (hg19) VCF-style: chr3-15686612-G-A.
Other names: c.1249G>A, p.Val417Ile (NM_000060.4); c.1189G>A, p.Val397Ile (NM_001281723.4, NM_001281724.3, NM_001281725.3 and 16 more transcripts); c.1015+174G>A (NM_001370752.1); c.399+3048G>A (NM_001370753.1); short protein forms V397I, V417I.
Identifiers: ClinVar variation 1026527 (VCV001026527.13), dbSNP rs397514409, ClinGen allele CA351608398.